The following is an entry in ClinVar:

ClinVar aggregate classification (germline): Uncertain significance (1 of 4 stars; one submission).

Conditions:
Hereditary cancer-predisposing syndrome. Also called: Tumor predisposition; Hereditary neoplastic syndrome; Hereditary Cancer Syndrome; Neoplastic Syndromes, Hereditary. Identifiers: Orphanet 140162, MedGen C0027672, MeSH D009386, MONDO:0015356.

Allele frequency attached by ClinVar (database versions not stated): gnomAD exomes below 0.00001.
gnomAD v4.1: 1 of 1,610,128 alleles (0.000062%); highest among the groups gnomAD compares: Non-Finnish European, 0.000085%; no homozygotes.

Submission:

Ambry Genetics
Classification: Uncertain significance for Hereditary cancer-predisposing syndrome. Last evaluated: 2024-02-27. Review status: criteria provided, single submitter. Criteria: Ambry Variant Classification Scheme 2023. Collection method: clinical testing. Allele origin: germline.
Comment: The p.G1100E variant (also known as c.3299G>A), located in coding exon 26 of the POLD1 gene, results from a G to A substitution at nucleotide position 3299. The glycine at codon 1100 is replaced by glutamic acid, an amino acid with similar properties. This amino acid position is conserved. In addition, this alteration is predicted to be tolerated by in silico analysis. Based on the available evidence, the clinical significance of this alteration remains unclear.

NM_002691.4(POLD1):c.3299G>A (p.Gly1100Glu)

Gene: POLD1 (DNA polymerase delta 1, catalytic subunit; plus strand). Cytogenetic location: 19q13.33.
Variant type: single nucleotide variant.
Coding change: c.3299G>A on transcript NM_002691.4 (MANE Select); coding-DNA position 3299, G replaced by A.
Protein change: p.Gly1100Glu; replaces glycine 1100 with glutamic acid.
Molecular consequence: missense variant. On other transcripts: non-coding transcript variant (1).
Genome position (GRCh38, 1-based): chr19:50,417,922, G>A. VCF-style: chr19-50417922-G-A. GRCh37 (hg19) VCF-style: chr19-50921179-G-A.
Other names: c.3299G>A, p.Gly1100Glu (NM_001256849.1); c.3377G>A, p.Gly1126Glu (NM_001308632.1); short protein forms G1100E, G1126E.
Identifiers: ClinVar variation 3222737 (VCV003222737.1), dbSNP rs2122522904, ClinGen allele CA406987866.